The following is an entry in ClinVar:

NM_182961.4(SYNE1):c.10762G>A (p.Glu3588Lys)

Gene: SYNE1 (spectrin repeat containing nuclear envelope protein 1; minus strand). Cytogenetic location: 6q25.2.
Variant type: single nucleotide variant.
Coding change: c.10762G>A on transcript NM_182961.4 (MANE Select); coding-DNA position 10762, G replaced by A.
Protein change: p.Glu3588Lys; replaces glutamic acid 3588 with lysine.
Molecular consequence: missense variant.
Genome position (GRCh38, 1-based): chr6:152,354,823, C>T on the plus strand (G>A on the coding strand, the complement: SYNE1 is on the minus strand). VCF-style: chr6-152354823-C-T. GRCh37 (hg19) VCF-style: chr6-152675958-C-T.
Other names: c.10783G>A, p.Glu3595Lys (NM_033071.5); short protein forms E3595K, E3588K.
Identifiers: ClinVar variation 1425014 (VCV001425014.30), dbSNP rs371209532, ClinGen allele CA4056884.

ClinVar aggregate classification (germline): Uncertain significance. Review status: criteria provided, multiple submitters, no conflicts (2 of 4 stars). 2 submissions from 2 submitters: Uncertain significance (2). Last evaluated 2022-11-01.

Conditions:
Autosomal recessive ataxia, Beauce type. Also called: SYNE1-Related Autosomal Recessive Cerebellar Ataxia; ATAXIA, RECESSIVE, OF BEAUCE; Spinocerebellar ataxia, autosomal recessive 8; SYNE1 Deficiency. Identifiers: Orphanet 88644, MedGen C1853116, MONDO:0012549, OMIM 610743.
Emery-Dreifuss muscular dystrophy 4, autosomal dominant (EDMD4). Also called: EMERY-DREIFUSS MUSCULAR DYSTROPHY 4 WITH VARIABLE FEATURES. Identifiers: Orphanet 261, MedGen C2751807, MONDO:0013071, OMIM 612998.

Allele frequency attached by ClinVar (database versions not stated): ESP Exome Variant Server 0.00008; TOPMed below 0.00001; ExAC 0.00002; gnomAD exomes 0.00002.
gnomAD v4.1: 14 of 1,614,068 alleles (0.00087%); highest among the groups gnomAD compares: Middle Eastern, 0.033%; no homozygotes.

Submissions (2):

CeGaT Center for Human Genetics Tuebingen
Classification: Uncertain significance. Last evaluated: 2022-11-01. Review status: criteria provided, single submitter. Criteria: CeGaT Center For Human Genetics Tuebingen Variant Classification Criteria Version 2. Collection method: clinical testing. Allele origin: germline. Affected: yes. Observed: 1 variant allele.

Labcorp Genetics (formerly Invitae), Labcorp
Classification: Uncertain significance for Emery-Dreifuss muscular dystrophy 4, autosomal dominant; Autosomal recessive ataxia, Beauce type. Last evaluated: 2021-12-02. Review status: criteria provided, single submitter. Criteria: Invitae Variant Classification Sherloc (09022015). Collection method: clinical testing. Allele origin: germline.
Comment: This variant is present in population databases (rs371209532, gnomAD 0.006%). This variant has not been reported in the literature in individuals affected with SYNE1-related conditions. Algorithms developed to predict the effect of missense changes on protein structure and function are either unavailable or do not agree on the potential impact of this missense change (SIFT: "Deleterious"; PolyPhen-2: "Benign"; Align-GVGD: "Class C55"). In summary, the available evidence is currently insufficient to determine the role of this variant in disease. Therefore, it has been classified as a Variant of Uncertain Significance. This sequence change replaces glutamic acid, which is acidic and polar, with lysine, which is basic and polar, at codon 3595 of the SYNE1 protein (p.Glu3595Lys).